The following is an entry in ClinVar:

ClinVar aggregate classification (germline): Uncertain significance. Review status: criteria provided, multiple submitters, no conflicts (2 of 4 stars). 6 submissions from 6 submitters: Uncertain significance (6). Last evaluated 2025-12-09.

Conditions:
Breast-ovarian cancer, familial, susceptibility to, 5 (BROVCA5). Identifiers: MedGen C5830615, MONDO:0957530, OMIM 620442.
Hereditary cancer-predisposing syndrome. Also called: Hereditary Cancer Syndrome; Neoplastic Syndromes, Hereditary; Tumor predisposition; Hereditary neoplastic syndrome. Identifiers: Orphanet 140162, MedGen C0027672, MeSH D009386, MONDO:0015356.
Familial cancer of breast. Also called: BREAST CANCER, FAMILIAL; Hereditary breast cancer; hereditary breast carcinoma. Identifiers: Orphanet 227535, MedGen C0346153, MONDO:0016419, OMIM 114480. Disease mechanism: loss of function.

gnomAD v4.1: 3 of 1,614,214 alleles (0.00019%); highest among the groups gnomAD compares: Non-Finnish European, 0.00025%; no homozygotes.

Submissions (6):

Labcorp Genetics (formerly Invitae), Labcorp
Classification: Uncertain significance for Familial cancer of breast. Last evaluated: 2025-12-09. Review status: criteria provided, single submitter. Criteria: Invitae Variant Classification Sherloc (09022015). Collection method: clinical testing. Allele origin: germline.
Comment: This sequence change replaces isoleucine, which is neutral and non-polar, with leucine, which is neutral and non-polar, at codon 429 of the PALB2 protein (p.Ile429Leu). This variant is not present in population databases (gnomAD no frequency). This variant has not been reported in the literature in individuals affected with PALB2-related conditions. ClinVar contains an entry for this variant (Variation ID: 480269). Invitae Evidence Modeling of protein sequence and biophysical properties (such as structural, functional, and spatial information, amino acid conservation, physicochemical variation, residue mobility, and thermodynamic stability) indicates that this missense variant is expected to disrupt PALB2 protein function with a positive predictive value of 80%. In summary, the available evidence is currently insufficient to determine the role of this variant in disease. Therefore, it has been classified as a Variant of Uncertain Significance.

Ambry Genetics
Classification: Uncertain significance for Hereditary cancer-predisposing syndrome. Last evaluated: 2025-04-18. Review status: criteria provided, single submitter. Criteria: Ambry Variant Classification Scheme 2023. Collection method: clinical testing. Allele origin: germline.
Comment: The p.I429L variant (also known as c.1285A>C), located in coding exon 4 of the PALB2 gene, results from an A to C substitution at nucleotide position 1285. The isoleucine at codon 429 is replaced by leucine, an amino acid with highly similar properties. This amino acid position is highly conserved in available vertebrate species. In addition, this alteration is predicted to be tolerated by in silico analysis. Since supporting evidence is limited at this time, the clinical significance of this alteration remains unclear.

Quest Diagnostics Nichols Institute San Juan Capistrano
Classification: Uncertain significance. Last evaluated: 2025-03-07. Review status: criteria provided, single submitter. Criteria: Quest Diagnostics criteria. Collection method: clinical testing. Allele origin: unknown.
Comment: The PALB2 c.1285A>C (p.Ile429Leu) variant has been reported in individuals with breast cancer in a case-control study (PMID: 33471991 (2021), see also LOVD). This variant has not been reported in large, multi-ethnic general populations (Genome Aggregation Database). Analysis of this variant using bioinformatics tools for the prediction of the effect of amino acid changes on protein structure and function yielded conflicting predictions that this variant is benign or damaging. Based on the available information, we are unable to determine the clinical significance of this variant.

Institute for Biomarker Research, Medical Diagnostic Laboratories, L.L.C.
Classification: Uncertain significance for Hereditary cancer-predisposing syndrome. Last evaluated: 2024-11-05. Review status: criteria provided, single submitter. Criteria: ACMG Guidelines, 2015. Collection method: clinical testing. Allele origin: germline.
Comment: The missense variant NM_024675.4(PALB2):c.1285A>C (p.Ile429Leu) has not been reported previously as a pathogenic variant nor as a benign variant, to our knowledge. The p.Ile429Leu variant is novel (not in any individuals) in gnomAD. The p.Ile429Leu variant is novel (not in any individuals) in 1kG. There is a small physicochemical difference between isoleucine and leucine, which is not likely to impact secondary protein structure as these residues share similar properties. The p.Ile429Leu variant is not predicted to introduce a novel splice site by any splice site algorithm. The isoleucine residue at codon 429 of PALB2 is not conserved in all mammalian species, with 2 of the 59 mammals with alignments containing alternative residues. For these reasons, this variant has been classified as Uncertain Significance.

Color Diagnostics, LLC DBA Color Health
Classification: Uncertain significance for Hereditary cancer-predisposing syndrome. Last evaluated: 2022-05-06. Review status: criteria provided, single submitter. Criteria: ACMG Guidelines, 2015. Collection method: clinical testing. Allele origin: germline.
Comment: This missense variant replaces isoleucine with leucine at codon 429 of the PALB2 protein. Computational prediction suggests that this variant may not impact protein structure and function (internally defined REVEL score threshold <= 0.5, PMID: 27666373). To our knowledge, functional studies have not been reported for this variant. This variant has been reported in 1/60466 individuals with breast cancer and in 0/53461 unaffected controls in a large case-control study (PMID: 33471991). This variant has not been identified in the general population by the Genome Aggregation Database (gnomAD). The available evidence is insufficient to determine the role of this variant in disease conclusively. Therefore, this variant is classified as a Variant of Uncertain Significance.

Department of Pathology and Laboratory Medicine, Sinai Health System
Classification: Uncertain significance for Breast-ovarian cancer, familial, susceptibility to, 5. Last evaluated: 2021-06-14. Review status: criteria provided, single submitter. Criteria: ACMG Guidelines, 2015. Collection method: clinical testing. Allele origin: germline. Affected: yes.

Literature cited by the submitters: PubMed 33471991 (cited by 3 submitters).

NM_024675.4(PALB2):c.1285A>C (p.Ile429Leu)

Gene: PALB2 (partner and localizer of BRCA2; minus strand). Cytogenetic location: 16p12.2.
Variant type: single nucleotide variant.
Coding change: c.1285A>C on transcript NM_024675.4 (MANE Select); coding-DNA position 1285, A replaced by C.
Protein change: p.Ile429Leu; replaces isoleucine 429 with leucine.
Molecular consequence: missense variant.
Genome position (GRCh38, 1-based): chr16:23,635,261, T>G on the plus strand (A>C on the coding strand, the complement: PALB2 is on the minus strand). VCF-style: chr16-23635261-T-G. GRCh37 (hg19) VCF-style: chr16-23646582-T-G.
Other names: short protein forms I429L.
Identifiers: ClinVar variation 480269 (VCV000480269.13), dbSNP rs1555461360, ClinGen allele CA395132549.
Genomic context (GRCh38, chr16:23,635,261, plus strand): 5'-TACTTGCATCCTTATTTTTATTTTTAAACCCTTTTTTCTTGACATCCAAATGACTCTGAA[T>G]GACAGCCTCCACGGCTACTTTCCTCTGGCAATTGGACATGCTTCGTGTTGTTCTAACATA-3'
Protein context (NP_078951.2, residues 419-439): CQRKVAVEAV[Ile429Leu]QSHLDVKKKG